The following is an entry in ClinVar:

NM_015272.5(RPGRIP1L):c.2684G>A (p.Gly895Glu)

Gene: RPGRIP1L (RPGRIP1 like; minus strand). Cytogenetic location: 16q12.2.
Variant type: single nucleotide variant.
Coding change: c.2684G>A on transcript NM_015272.5 (MANE Select); coding-DNA position 2684, G replaced by A.
Protein change: p.Gly895Glu; replaces glycine 895 with glutamic acid.
Molecular consequence: missense variant.
Genome position (GRCh38, 1-based): chr16:53,641,475, C>T on the plus strand (G>A on the coding strand, the complement: RPGRIP1L is on the minus strand). VCF-style: chr16-53641475-C-T. GRCh37 (hg19) VCF-style: chr16-53675387-C-T.
Other names: c.2684G>A, p.Gly895Glu (NM_001127897.4, NM_001308334.3, NM_001330538.2); short protein forms G895E.
Identifiers: ClinVar variation 3360437 (VCV003360437.1).

ClinVar aggregate classification (germline): Uncertain significance (1 of 4 stars; one submission).

Submission:

GeneDx
Classification: Uncertain significance. Last evaluated: 2023-06-26. Review status: criteria provided, single submitter. Criteria: GeneDx Variant Classification Process June 2021. Collection method: clinical testing. Allele origin: germline. Affected: yes.
Comment: Has not been previously published as pathogenic or benign to our knowledge; Not observed at significant frequency in large population cohorts (gnomAD); In silico analysis supports that this missense variant has a deleterious effect on protein structure/function